The following is an entry in ClinVar:

ClinVar aggregate classification (germline): Uncertain significance. Review status: criteria provided, multiple submitters, no conflicts (2 of 4 stars). 3 submissions from 3 submitters: Uncertain significance (3). Last evaluated 2026-04-14.

Conditions:
Familial intrahepatic cholestasis. Identifiers: Orphanet 284385, MedGen CN296401, MONDO:0017290.
ABCB11-related disorder. Also called: ABCB11-related condition.

Allele frequency attached by ClinVar (database versions not stated): ExAC 0.00004; gnomAD exomes 0.00005 and 0.00006; TOPMed 0.00006; ESP Exome Variant Server 0.00008.
gnomAD v4.1: 97 of 1,612,114 alleles (0.006%); highest among the groups gnomAD compares: Middle Eastern, 0.033%; no homozygotes.

Submissions (3):

Genomenon, Inc
Classification: Uncertain significance for Familial intrahepatic cholestasis. Last evaluated: 2026-04-14. Review status: criteria provided, single submitter. Criteria: Genomenon Sequence Variant Interpretation Standards - Updated. Collection method: curation. Allele origin: germline. Affected: yes.
Comment: ABCB11 p.Gly555Ala (c.1664G>C) is a missense variant that changes the amino acid at residue 555 from Glycine to Alanine. This variant has been observed in at least one proband with an ABCB11-related disorder (PMID:39143102). It is absent or not present at a significant frequency in gnomAD. In conclusion, we classify ABCB11 p.Gly555Ala (c.1664G>C) as a variant of uncertain significance.

PreventionGenetics, part of Exact Sciences
Classification: Uncertain significance for ABCB11-related condition. Last evaluated: 2025-05-20. Review status: criteria provided, single submitter. Criteria: ACMG Guidelines, 2015. Collection method: clinical testing. Allele origin: germline.
Comment: The ABCB11 c.1664G>C variant is predicted to result in the amino acid substitution p.Gly555Ala. To our knowledge, this variant has not been reported in the literature. This variant is reported in 0.0098% of alleles in individuals of European (Non-Finnish) descent in gnomAD. At this time, the clinical significance of this variant is uncertain due to the absence of conclusive functional and genetic evidence.

Eurofins Ntd Llc (ga)
Classification: Uncertain significance. Last evaluated: 2017-06-12. Review status: criteria provided, single submitter. Criteria: EGL Classification Definitions 2015. Collection method: clinical testing. Allele origin: germline. Observed: 1 variant allele, 1 heterozygote.

Literature cited by the submitters: PubMed 39143102 (cited by Genomenon, Inc).

NM_003742.4(ABCB11):c.1664G>C (p.Gly555Ala)

Gene: ABCB11 (ATP binding cassette subfamily B member 11; minus strand). Cytogenetic location: 2q31.1.
Variant type: single nucleotide variant.
Coding change: c.1664G>C on transcript NM_003742.4 (MANE Select); coding-DNA position 1664, G replaced by C.
Protein change: p.Gly555Ala; replaces glycine 555 with alanine.
Molecular consequence: missense variant.
Genome position (GRCh38, 1-based): chr2:168,970,190, C>G on the plus strand (G>C on the coding strand, the complement: ABCB11 is on the minus strand). VCF-style: chr2-168970190-C-G. GRCh37 (hg19) VCF-style: chr2-169826700-C-G.
Other names: c.1664G>C (NM_003742.2); c.1664G>C, p.Gly555Ala (LRG_1199t1); short protein forms G555A.
Identifiers: ClinVar variation 502479 (VCV000502479.7), dbSNP rs370566153, ClinGen allele CA1951483.